The following is an entry in ClinVar:

ClinVar aggregate classification (germline): Uncertain significance. Review status: criteria provided, multiple submitters, no conflicts (2 of 4 stars). 2 submissions from 2 submitters: Uncertain significance (2). Last evaluated 2025-08-30.

Conditions:
Cardiomyopathy (CMYO). Also called: Cardiomyopathies. Identifiers: Orphanet 167848, MedGen C0878544, MONDO:0004994, HP:0001638. Inheritance: Various modes of inheritance.
Catecholaminergic polymorphic ventricular tachycardia 1. Also called: RYR2-Related Catecholaminergic Polymorphic Ventricular Tachycardia; VENTRICULAR TACHYCARDIA, STRESS-INDUCED POLYMORPHIC 1; VENTRICULAR TACHYCARDIA, CATECHOLAMINERGIC POLYMORPHIC, 1, WITH OR WITHOUT ATRIAL DYSFUNCTION AND/OR DILATED CARDIOMYOPATHY. Identifiers: Orphanet 3286, MedGen C1631597, MONDO:0011484, OMIM 604772.

Allele frequency attached by ClinVar (database versions not stated): gnomAD exomes below 0.00001.
gnomAD v4.1: 2 of 1,613,844 alleles (0.00012%); highest among the groups gnomAD compares: Non-Finnish European, 0.00017%; no homozygotes.

Submissions (2):

Color Diagnostics, LLC DBA Color Health
Classification: Uncertain significance for Cardiomyopathy. Last evaluated: 2025-08-30. Review status: criteria provided, single submitter. Criteria: ACMG Guidelines, 2015. Collection method: clinical testing. Allele origin: germline.
Comment: This missense variant replaces histidine with arginine at codon 1265 of the RYR2 protein. Computational prediction is inconclusive regarding the impact of this variant on protein structure and function. To our knowledge, functional studies have not been reported for this variant. This variant has not been reported in individuals affected with RYR2-related disorders in the literature. This variant has not been identified in the general population by the Genome Aggregation Database (gnomAD). The available evidence is insufficient to determine the role of this variant in disease conclusively. Therefore, this variant is classified as a Variant of Uncertain Significance.

Labcorp Genetics (formerly Invitae), Labcorp
Classification: Uncertain significance for Catecholaminergic polymorphic ventricular tachycardia 1. Last evaluated: 2020-09-11. Review status: criteria provided, single submitter. Criteria: Invitae Variant Classification Sherloc (09022015). Collection method: clinical testing. Allele origin: germline.
Comment: This variant is not present in population databases (ExAC no frequency). This variant has not been reported in the literature in individuals with RYR2-related conditions. Algorithms developed to predict the effect of missense changes on protein structure and function are either unavailable or do not agree on the potential impact of this missense change (SIFT: "Deleterious"; PolyPhen-2: "Benign"; Align-GVGD: "Class C25"). In summary, the available evidence is currently insufficient to determine the role of this variant in disease. Therefore, it has been classified as a Variant of Uncertain Significance. This sequence change replaces histidine with arginine at codon 1265 of the RYR2 protein (p.His1265Arg). The histidine residue is highly conserved and there is a small physicochemical difference between histidine and arginine.

NM_001035.3(RYR2):c.3794A>G (p.His1265Arg)

Genes: RYR2 (ryanodine receptor 2; plus strand), LOC126806067 (BRD4-independent group 4 enhancer GRCh37_chr1:237753258-237754457; plus strand). Cytogenetic location: 1q43.
Variant type: single nucleotide variant.
Coding change: c.3794A>G on transcript NM_001035.3 (MANE Select); coding-DNA position 3794, A replaced by G.
Protein change: p.His1265Arg; replaces histidine 1265 with arginine.
Molecular consequence: missense variant.
Genome position (GRCh38, 1-based): chr1:237,589,988, A>G. VCF-style: chr1-237589988-A-G. GRCh37 (hg19) VCF-style: chr1-237753288-A-G.
Other names: short protein forms H1265R.
Identifiers: ClinVar variation 1037415 (VCV001037415.10), dbSNP rs1674968448, ClinGen allele CA345396674.